The following is an entry in ClinVar:

NM_015512.5(DNAH1):c.7659G>A (p.Thr2553=)

Gene: DNAH1 (dynein axonemal heavy chain 1; plus strand). Cytogenetic location: 3p21.1.
Variant type: single nucleotide variant.
Coding change: c.7659G>A on transcript NM_015512.5 (MANE Select); coding-DNA position 7659, G replaced by A.
Protein change: p.Thr2553=; no amino-acid change (threonine 2553 retained).
Molecular consequence: synonymous variant.
Genome position (GRCh38, 1-based): chr3:52,381,690, G>A. VCF-style: chr3-52381690-G-A. GRCh37 (hg19) VCF-style: chr3-52415706-G-A.
Identifiers: ClinVar variation 3046768 (VCV003046768.5), dbSNP rs775335940, ClinGen allele CA2434944.

ClinVar aggregate classification (germline): Likely benign. Review status: criteria provided, multiple submitters, no conflicts (2 of 4 stars). 3 submissions from 3 submitters: Likely benign (2). 1 of the submissions does not count toward it. Last evaluated 2025-04-28.

Conditions:
DNAH1-related disorder. Also called: DNAH1-related condition.
Spermatogenic failure 18. Identifiers: MedGen C4539783, MONDO:0054615, OMIM 617576.
Ciliary dyskinesia, primary, 37 (CILD37). Also called: CILIARY DYSKINESIA, PRIMARY, 37, WITH OR WITHOUT SITUS INVERSUS. Identifiers: MedGen C4539798, MONDO:0033204, OMIM 617577.

Allele frequency attached by ClinVar (database versions not stated): TOPMed 0.00007; gnomAD 0.00003; ExAC 0.00014.
gnomAD v4.1: 43 of 1,608,540 alleles (0.0027%); highest among the groups gnomAD compares: East Asian, 0.047%; no homozygotes.

Submissions (3):

Ambry Genetics
Classification: Likely benign. Last evaluated: 2025-04-28. Review status: criteria provided, single submitter. Criteria: Ambry Variant Classification Scheme 2023. Collection method: clinical testing. Allele origin: germline.

Labcorp Genetics (formerly Invitae), Labcorp
Classification: Likely benign for Ciliary dyskinesia, primary, 37; Spermatogenic failure 18. Last evaluated: 2025-04-19. Review status: criteria provided, single submitter. Criteria: Invitae Variant Classification Sherloc (09022015). Collection method: clinical testing. Allele origin: germline.

PreventionGenetics, part of Exact Sciences
Classification: Likely benign for DNAH1-related condition. Last evaluated: 2023-07-31. Review status: no assertion criteria provided. Collection method: clinical testing. Allele origin: germline. Not counted in ClinVar's aggregate classification.
Comment: This variant is classified as likely benign based on ACMG/AMP sequence variant interpretation guidelines (Richards et al. 2015 PMID: 25741868, with internal and published modifications).